The following is an entry in ClinVar:

ClinVar aggregate classification (germline): Uncertain significance. Review status: criteria provided, multiple submitters, no conflicts (2 of 4 stars). 2 submissions from 2 submitters: Uncertain significance (2). Last evaluated 2025-06-10.

Conditions:
Inborn genetic diseases. Identifiers: MedGen C0950123, MeSH D030342.
Pityriasis rubra pilaris (PRP). Also called: Pityriasis rubra pilaris--familial type. Identifiers: Orphanet 2897, MedGen C0032027, MONDO:0100017, OMIM 173200, MONDO:0008251.
Psoriasis 2. Identifiers: MedGen C1864497, MONDO:0011269, OMIM 602723.

Allele frequency attached by ClinVar (database versions not stated): gnomAD exomes 0.00001; TOPMed 0.00001.
gnomAD v4.1: 3 of 1,583,118 alleles (0.00019%); highest among the groups gnomAD compares: African/African-American, 0.0013%; no homozygotes.

Submissions (2):

Ambry Genetics
Classification: Uncertain significance for Inborn genetic diseases. Last evaluated: 2025-06-10. Review status: criteria provided, single submitter. Criteria: Ambry Variant Classification Scheme 2023. Collection method: clinical testing. Allele origin: germline.

Labcorp Genetics (formerly Invitae), Labcorp
Classification: Uncertain significance for Pityriasis rubra pilaris; Psoriasis 2. Last evaluated: 2024-10-10. Review status: criteria provided, single submitter. Criteria: Invitae Variant Classification Sherloc (09022015). Collection method: clinical testing. Allele origin: germline.
Comment: This sequence change replaces histidine, which is basic and polar, with asparagine, which is neutral and polar, at codon 177 of the CARD14 protein (p.His177Asn). The frequency data for this variant in the population databases is considered unreliable, as metrics indicate poor data quality at this position in the gnomAD database. This variant has not been reported in the literature in individuals affected with CARD14-related conditions. ClinVar contains an entry for this variant (Variation ID: 1380094). Invitae Evidence Modeling of protein sequence and biophysical properties (such as structural, functional, and spatial information, amino acid conservation, physicochemical variation, residue mobility, and thermodynamic stability) indicates that this missense variant is not expected to disrupt CARD14 protein function with a negative predictive value of 95%. In summary, the available evidence is currently insufficient to determine the role of this variant in disease. Therefore, it has been classified as a Variant of Uncertain Significance.

NM_001366385.1(CARD14):c.529C>A (p.His177Asn)

Gene: CARD14 (caspase recruitment domain family member 14; plus strand). Cytogenetic location: 17q25.3.
Variant type: single nucleotide variant.
Coding change: c.529C>A on transcript NM_001366385.1 (MANE Select); coding-DNA position 529, C replaced by A.
Protein change: p.His177Asn; replaces histidine 177 with asparagine.
Molecular consequence: missense variant. On other transcripts: non-coding transcript variant (1).
Genome position (GRCh38, 1-based): chr17:80,184,092, C>A. VCF-style: chr17-80184092-C-A. GRCh37 (hg19) VCF-style: chr17-78157891-C-A.
Other names: c.529C>A, p.His177Asn (NM_001257970.1, NM_024110.4); c.529C>A (NM_024110.3); short protein forms H177N.
Identifiers: ClinVar variation 1380094 (VCV001380094.7), dbSNP rs1357558018, ClinGen allele CA401336950.
Genomic context (GRCh38, chr17:80,184,092, plus strand): 5'-CAGGAGCACCTGGGCCTGGCCGAGACCCGTGCCGAGGGCCTGCACCAGCTGGAGGCTGAC[C>A]ACAGCCGCATGAAGCGTGAGGTTAGCGCACACTTCCATGAGGTGCTGAGGCTGAAGGACG-3'
Protein context (NP_001353314.1, residues 167-187): AEGLHQLEAD[His177Asn]SRMKREVSAH